The following is an entry in ClinVar:

ClinVar aggregate classification (germline): Uncertain significance (1 of 4 stars; one submission).

Conditions:
Ullrich congenital muscular dystrophy 2 (UCMD2). Identifiers: Orphanet 75840, MedGen C4225314, MONDO:0014654, OMIM 616470.
Bethlem myopathy 2 (BTHLM2). Identifiers: Orphanet 536516, Orphanet 610, MedGen C4225313, MONDO:0034022, OMIM 616471.

Allele frequency attached by ClinVar (database versions not stated): gnomAD 0.00001; ESP Exome Variant Server 0.00008; gnomAD exomes 0.00001 and 0.00002; ExAC 0.00002; TOPMed 0.00001.
gnomAD v4.1: 20 of 1,613,886 alleles (0.0012%); highest among the groups gnomAD compares: Non-Finnish European, 0.0015%; no homozygotes.

Submission:

Labcorp Genetics (formerly Invitae), Labcorp
Classification: Uncertain significance for Bethlem myopathy 2; Ullrich congenital muscular dystrophy 2. Last evaluated: 2025-05-27. Review status: criteria provided, single submitter. Criteria: Invitae Variant Classification Sherloc (09022015). Collection method: clinical testing. Allele origin: germline.
Comment: This sequence change replaces asparagine, which is neutral and polar, with histidine, which is basic and polar, at codon 964 of the COL12A1 protein (p.Asn964His). This variant is present in population databases (rs370188326, gnomAD 0.005%). This variant has not been reported in the literature in individuals affected with COL12A1-related conditions. ClinVar contains an entry for this variant (Variation ID: 1345780). Invitae Evidence Modeling of protein sequence and biophysical properties (such as structural, functional, and spatial information, amino acid conservation, physicochemical variation, residue mobility, and thermodynamic stability) indicates that this missense variant is not expected to disrupt COL12A1 protein function with a negative predictive value of 80%. In summary, the available evidence is currently insufficient to determine the role of this variant in disease. Therefore, it has been classified as a Variant of Uncertain Significance.

NM_004370.6(COL12A1):c.2890A>C (p.Asn964His)

Gene: COL12A1 (collagen type XII alpha 1 chain; minus strand). Cytogenetic location: 6q13.
Variant type: single nucleotide variant.
Coding change: c.2890A>C on transcript NM_004370.6 (MANE Select); coding-DNA position 2890, A replaced by C.
Protein change: p.Asn964His; replaces asparagine 964 with histidine.
Molecular consequence: missense variant. On other transcripts: intron variant (1).
Genome position (GRCh38, 1-based): chr6:75,165,600, T>G on the plus strand (A>C on the coding strand, the complement: COL12A1 is on the minus strand). VCF-style: chr6-75165600-T-G. GRCh37 (hg19) VCF-style: chr6-75875316-T-G.
Other names: c.74-13118A>C (NM_080645.3); short protein forms N964H.
Identifiers: ClinVar variation 1345780 (VCV001345780.8), dbSNP rs370188326, ClinGen allele CA3893855.